The following is an entry in ClinVar:

NM_001130438.3(SPTAN1):c.4906-6C>T

Gene: SPTAN1 (spectrin alpha, non-erythrocytic 1; plus strand). Cytogenetic location: 9q34.11.
Variant type: single nucleotide variant.
Coding change: c.4906-6C>T on transcript NM_001130438.3 (MANE Select); 6 bases into the intron before coding-DNA position 4906, C replaced by T.
Molecular consequence: intron variant.
Genome position (GRCh38, 1-based): chr9:128,612,103, C>T. VCF-style: chr9-128612103-C-T. GRCh37 (hg19) VCF-style: chr9-131374382-C-T.
Other names: c.4942-6C>T (NM_001375318.1, NM_001375312.2, NM_001438440.1); c.4906-6C>T (NM_001375311.2, NM_001375310.1, NM_001363759.2 and 1 more transcripts); c.4846-6C>T (NM_001375314.2, NM_001363765.2, NM_001438442.1); c.4891-6C>T (NM_001438445.1, NM_003127.4, NM_001438443.1); c.4831-6C>T (NM_001438444.1, NM_001195532.2, NM_001438441.1).
Identifiers: ClinVar variation 4856928 (VCV004856928.2).

ClinVar aggregate classification (germline): Likely benign (1 of 4 stars; one submission).

Submission:

Dasa
Classification: Likely benign. Last evaluated: 2026-01-07. Review status: criteria provided, single submitter. Criteria: DASA Assertion Criteria. Collection method: clinical testing. Allele origin: germline.
Comment: NM_001130438.3(SPTAN1):c.4906-6C>T is a splice-region variant. The variant context is inconsistent with a known disease-causing mechanism. Computational prediction algorithms are consistent with a benign effect. Therefore, based on the currently available evidence, this variant is classified as likely benign.